The following is an entry in ClinVar:

NM_005257.6(GATA6):c.202G>A (p.Glu68Lys)

Gene: GATA6 (GATA binding protein 6; plus strand). Cytogenetic location: 18q11.2.
Variant type: single nucleotide variant.
Coding change: c.202G>A on transcript NM_005257.6 (MANE Select); coding-DNA position 202, G replaced by A.
Protein change: p.Glu68Lys; replaces glutamic acid 68 with lysine.
Molecular consequence: missense variant.
Genome position (GRCh38, 1-based): chr18:22,171,346, G>A. VCF-style: chr18-22171346-G-A. GRCh37 (hg19) VCF-style: chr18-19751307-G-A.
Other names: short protein forms E68K.
Identifiers: ClinVar variation 4706780 (VCV004706780.1).

ClinVar aggregate classification (germline): Uncertain significance (1 of 4 stars; one submission).

Conditions:
Atrioventricular septal defect 5 (AVSD5). Identifiers: MedGen C3280939, MONDO:0013769, OMIM 614474.

Submission:

Labcorp Genetics (formerly Invitae), Labcorp
Classification: Uncertain significance for Atrioventricular septal defect 5. Last evaluated: 2025-04-24. Review status: criteria provided, single submitter. Criteria: Invitae Variant Classification Sherloc (09022015). Collection method: clinical testing. Allele origin: germline.
Comment: This sequence change replaces glutamic acid, which is acidic and polar, with lysine, which is basic and polar, at codon 68 of the GATA6 protein (p.Glu68Lys). This variant is not present in population databases (gnomAD no frequency). This variant has not been reported in the literature in individuals affected with GATA6-related conditions. An algorithm developed to predict the effect of missense changes on protein structure and function (PolyPhen-2) suggests that this variant is likely to be tolerated. In summary, the available evidence is currently insufficient to determine the role of this variant in disease. Therefore, it has been classified as a Variant of Uncertain Significance.